The following is an entry in ClinVar:

NM_005732.4(RAD50):c.300G>C (p.Met100Ile)

Gene: RAD50 (RAD50 double strand break repair protein; plus strand). Cytogenetic location: 5q31.1.
Variant type: single nucleotide variant.
Coding change: c.300G>C on transcript NM_005732.4 (MANE Select); coding-DNA position 300, G replaced by C.
Protein change: p.Met100Ile; replaces methionine 100 with isoleucine.
Molecular consequence: missense variant.
Genome position (GRCh38, 1-based): chr5:132,575,863, G>C. VCF-style: chr5-132575863-G-C. GRCh37 (hg19) VCF-style: chr5-131911555-G-C.
Other names: short protein forms M100I.
Identifiers: ClinVar variation 842839 (VCV000842839.11), dbSNP rs757638011, ClinGen allele CA360930960.
Genomic context (GRCh38, chr5:132,575,863, plus strand): 5'-CCAGATTCGTCTGCAATTTCGTGATGTCAATGGAGAACTTATAGCTGTGCAAAGATCTAT[G>C]GTGTGTACTCAGAAAAGCAAAAAGACAGAATTTAAAACTCTGGAAGGAGTCATTACTAGA-3'
Protein context (NP_005723.2, residues 90-110): NGELIAVQRS[Met100Ile]VCTQKSKKTE

ClinVar aggregate classification (germline): Uncertain significance. Review status: criteria provided, multiple submitters, no conflicts (2 of 4 stars). 2 submissions from 2 submitters: Uncertain significance (2). Last evaluated 2023-06-24.

Conditions:
Hereditary cancer-predisposing syndrome. Also called: Hereditary Cancer Syndrome; Hereditary neoplastic syndrome; Tumor predisposition; Neoplastic Syndromes, Hereditary. Identifiers: Orphanet 140162, MedGen C0027672, MeSH D009386, MONDO:0015356.

Submissions (2):

Ambry Genetics
Classification: Uncertain significance for Hereditary cancer-predisposing syndrome. Last evaluated: 2023-06-24. Review status: criteria provided, single submitter. Criteria: Ambry Variant Classification Scheme 2023. Collection method: clinical testing. Allele origin: germline.
Comment: The p.M100I variant (also known as c.300G>C), located in coding exon 3 of the RAD50 gene, results from a G to C substitution at nucleotide position 300. The methionine at codon 100 is replaced by isoleucine, an amino acid with highly similar properties. This amino acid position is conserved. In addition, the in silico prediction for this alteration is inconclusive. Since supporting evidence is limited at this time, the clinical significance of this alteration remains unclear.

Labcorp Genetics (formerly Invitae), Labcorp
Classification: Uncertain significance for Hereditary cancer-predisposing syndrome. Last evaluated: 2020-06-03. Review status: criteria provided, single submitter. Criteria: Invitae Variant Classification Sherloc (09022015). Collection method: clinical testing. Allele origin: germline.
Comment: In summary, the available evidence is currently insufficient to determine the role of this variant in disease. Therefore, it has been classified as a Variant of Uncertain Significance. Algorithms developed to predict the effect of missense changes on protein structure and function (SIFT, PolyPhen-2, Align-GVGD) all suggest that this variant is likely to be tolerated, but these predictions have not been confirmed by published functional studies and their clinical significance is uncertain. This variant has not been reported in the literature in individuals with RAD50-related conditions. This sequence change replaces methionine with isoleucine at codon 100 of the RAD50 protein (p.Met100Ile). The methionine residue is highly conserved and there is a small physicochemical difference between methionine and isoleucine. This variant is not present in population databases (ExAC no frequency).